The following is an entry in ClinVar:

ClinVar aggregate classification (germline): Uncertain significance (1 of 4 stars; one submission).

Submission:

Labcorp Genetics (formerly Invitae), Labcorp
Classification: Uncertain significance. Last evaluated: 2024-06-30. Review status: criteria provided, single submitter. Criteria: Invitae Variant Classification Sherloc (09022015). Collection method: clinical testing. Allele origin: germline.
Comment: This sequence change replaces glutamic acid, which is acidic and polar, with glycine, which is neutral and non-polar, at codon 194 of the CHM protein (p.Glu194Gly). This variant is not present in population databases (gnomAD no frequency). This variant has not been reported in the literature in individuals affected with CHM-related conditions. An algorithm developed to predict the effect of missense changes on protein structure and function (PolyPhen-2) suggests that this variant is likely to be tolerated. In summary, the available evidence is currently insufficient to determine the role of this variant in disease. Therefore, it has been classified as a Variant of Uncertain Significance.

NM_000390.4(CHM):c.581A>G (p.Glu194Gly)

Gene: CHM (CHM Rab escort protein; minus strand). Cytogenetic location: Xq21.2.
Variant type: single nucleotide variant.
Coding change: c.581A>G on transcript NM_000390.4 (MANE Select); coding-DNA position 581, A replaced by G.
Protein change: p.Glu194Gly; replaces glutamic acid 194 with glycine.
Molecular consequence: missense variant.
Genome position (GRCh38, 1-based): chrX:85,963,786, T>C on the plus strand (A>G on the coding strand, the complement: CHM is on the minus strand). VCF-style: chrX-85963786-T-C. GRCh37 (hg19) VCF-style: chrX-85218791-T-C.
Other names: c.137A>G, p.Glu46Gly (NM_001320959.1, NM_001362517.1, NM_001362518.2 and 1 more transcripts); short protein forms E194G, E46G.
Identifiers: ClinVar variation 2753575 (VCV002753575.3), dbSNP rs2520272362, ClinGen allele CA413786689.